The following is an entry in ClinVar:

NM_001382347.1(MYO5A):c.2362C>T (p.Arg788Cys)

Gene: MYO5A (myosin VA; minus strand). Cytogenetic location: 15q21.2.
Variant type: single nucleotide variant.
Coding change: c.2362C>T on transcript NM_001382347.1 (MANE Select); coding-DNA position 2362, C replaced by T.
Protein change: p.Arg788Cys; replaces arginine 788 with cysteine.
Molecular consequence: missense variant.
Genome position (GRCh38, 1-based): chr15:52,376,405, G>A on the plus strand (C>T on the coding strand, the complement: MYO5A is on the minus strand). VCF-style: chr15-52376405-G-A. GRCh37 (hg19) VCF-style: chr15-52668602-G-A.
Other names: c.2362C>T, p.Arg788Cys (NM_000259.3, NM_001142495.2, NM_001411135.1); c.2434C>T, p.Arg812Cys (NM_001382348.1, NM_001382349.1); short protein forms R788C, R812C.
Identifiers: ClinVar variation 2052222 (VCV002052222.4), dbSNP rs369876715, ClinGen allele CA7568727.

ClinVar aggregate classification (germline): Uncertain significance. Review status: criteria provided, multiple submitters, no conflicts (2 of 4 stars). 2 submissions from 2 submitters: Uncertain significance (2). Last evaluated 2025-12-03.

Conditions:
Inborn genetic diseases. Identifiers: MedGen C0950123, MeSH D030342.

Allele frequency attached by ClinVar (database versions not stated): gnomAD 0.00005; TOPMed 0.00005; ExAC 0.00002; gnomAD exomes 0.00004; ESP Exome Variant Server 0.00008.
gnomAD v4.1: 63 of 1,614,008 alleles (0.0039%); highest among the groups gnomAD compares: Admixed American, 0.01%; no homozygotes.

Submissions (2):

Ambry Genetics
Classification: Uncertain significance for Inborn genetic diseases. Last evaluated: 2025-12-03. Review status: criteria provided, single submitter. Criteria: Ambry Variant Classification Scheme 2023. Collection method: clinical testing. Allele origin: germline.

Labcorp Genetics (formerly Invitae), Labcorp
Classification: Uncertain significance. Last evaluated: 2022-09-21. Review status: criteria provided, single submitter. Criteria: Invitae Variant Classification Sherloc (09022015). Collection method: clinical testing. Allele origin: germline.
Comment: This sequence change replaces arginine, which is basic and polar, with cysteine, which is neutral and slightly polar, at codon 788 of the MYO5A protein (p.Arg788Cys). This variant is present in population databases (rs369876715, gnomAD 0.01%). This variant has not been reported in the literature in individuals affected with MYO5A-related conditions. Advanced modeling of protein sequence and biophysical properties (such as structural, functional, and spatial information, amino acid conservation, physicochemical variation, residue mobility, and thermodynamic stability) performed at Invitae indicates that this missense variant is not expected to disrupt MYO5A protein function. In summary, the available evidence is currently insufficient to determine the role of this variant in disease. Therefore, it has been classified as a Variant of Uncertain Significance.